The following is an entry in ClinVar:

NM_005477.3(HCN4):c.433C>G (p.Pro145Ala)

Gene: HCN4 (hyperpolarization activated cyclic nucleotide gated potassium channel 4; minus strand). Cytogenetic location: 15q24.1.
Variant type: single nucleotide variant.
Coding change: c.433C>G on transcript NM_005477.3 (MANE Select); coding-DNA position 433, C replaced by G.
Protein change: p.Pro145Ala; replaces proline 145 with alanine.
Molecular consequence: missense variant.
Genome position (GRCh38, 1-based): chr15:73,367,838, G>C on the plus strand (C>G on the coding strand, the complement: HCN4 is on the minus strand). VCF-style: chr15-73367838-G-C. GRCh37 (hg19) VCF-style: chr15-73660179-G-C.
Other names: short protein forms P145A.
Identifiers: ClinVar variation 286934 (VCV000286934.15), dbSNP rs886043525, ClinGen allele CA10605620.
Genomic context (GRCh38, chr15:73,367,838, plus strand): 5'-GCGAGGCTGCGGGCTGCGCCGAGGCGCCGGGGCGCTCGGGCTCGGCCGCCAGGCCTGGGG[G>C]CGTCCTGTCCTCGCCGGGGGACGCGTCGCCCTCGGCGATGAGCCGCCGCTCCTCCGCGGA-3'
Protein context (NP_005468.1, residues 135-155): GDASPGEDRT[Pro145Ala]PGLAAEPERP

ClinVar aggregate classification (germline): Uncertain significance. Review status: criteria provided, multiple submitters, no conflicts (2 of 4 stars). 4 submissions from 4 submitters: Uncertain significance (4). Last evaluated 2025-11-12.

Conditions:
Cardiovascular phenotype. Identifiers: MedGen CN230736.
Brugada syndrome 8 (BRGDA8). Identifiers: Orphanet 130, MedGen C2751083, MONDO:0013148, OMIM 613123.

Allele frequency attached by ClinVar (database versions not stated): gnomAD 0.00001; TOPMed 0.00001.
gnomAD v4.1: 16 of 1,260,542 alleles (0.0013%); highest among the groups gnomAD compares: Middle Eastern, 0.18%; no homozygotes.

Submissions (4):

Labcorp Genetics (formerly Invitae), Labcorp
Classification: Uncertain significance for Brugada syndrome 8. Last evaluated: 2025-11-12. Review status: criteria provided, single submitter. Criteria: Invitae Variant Classification Sherloc (09022015). Collection method: clinical testing. Allele origin: germline.
Comment: This sequence change replaces proline, which is neutral and non-polar, with alanine, which is neutral and non-polar, at codon 145 of the HCN4 protein (p.Pro145Ala). This variant is not present in population databases (gnomAD no frequency). This variant has not been reported in the literature in individuals affected with HCN4-related conditions. ClinVar contains an entry for this variant (Variation ID: 286934). Invitae Evidence Modeling of protein sequence and biophysical properties (such as structural, functional, and spatial information, amino acid conservation, physicochemical variation, residue mobility, and thermodynamic stability) indicates that this missense variant is not expected to disrupt HCN4 protein function with a negative predictive value of 95%. In summary, the available evidence is currently insufficient to determine the role of this variant in disease. Therefore, it has been classified as a Variant of Uncertain Significance.

Ambry Genetics
Classification: Uncertain significance for Cardiovascular phenotype. Last evaluated: 2023-05-18. Review status: criteria provided, single submitter. Criteria: Ambry Variant Classification Scheme 2023. Collection method: clinical testing. Allele origin: germline.
Comment: The p.P145A variant (also known as c.433C>G), located in coding exon 1 of the HCN4 gene, results from a C to G substitution at nucleotide position 433. The proline at codon 145 is replaced by alanine, an amino acid with highly similar properties. This amino acid position is conserved. In addition, the in silico prediction for this alteration is inconclusive. Since supporting evidence is limited at this time, the clinical significance of this alteration remains unclear.

Eurofins Ntd Llc (ga)
Classification: Uncertain significance. Last evaluated: 2016-03-31. Review status: criteria provided, single submitter. Criteria: EGL Classification Definitions 2015. Collection method: clinical testing. Allele origin: germline. Observed: 2 variant alleles, 2 heterozygotes.

Breakthrough Genomics
Classification: Uncertain significance. Review status: criteria provided, single submitter. Criteria: ACMG Guidelines, 2015. Collection method: not provided. Allele origin: germline. Inheritance: Autosomal dominant inheritance. Affected: yes.